The following is an entry in ClinVar:

NM_001999.4(FBN2):c.-147C>T

Gene: FBN2 (fibrillin 2; minus strand). Cytogenetic location: 5q23.3.
Variant type: single nucleotide variant.
Coding change: c.-147C>T on transcript NM_001999.4 (MANE Select); 147 bases upstream of the start codon, C replaced by T.
Molecular consequence: 5 prime UTR variant.
Genome position (GRCh38, 1-based): chr5:128,537,750, G>A on the plus strand (C>T on the coding strand, the complement: FBN2 is on the minus strand). VCF-style: chr5-128537750-G-A. GRCh37 (hg19) VCF-style: chr5-127873443-G-A.
Identifiers: ClinVar variation 906245 (VCV000906245.4), dbSNP rs571337177, ClinGen allele CA127059565.

ClinVar aggregate classification (germline): Benign (1 of 4 stars; one submission).

Conditions:
Congenital contractural arachnodactyly (CCA). Also called: BEALS SYNDROME; Beals-Hecht syndrome; Arthrogryposis, distal, type 9. Identifiers: Orphanet 115, MedGen C0220668, MONDO:0007363, OMIM 121050.

Allele frequency attached by ClinVar (database versions not stated): gnomAD 0.00001 and 0.00004; TOPMed 0.00002; gnomAD exomes 0.00019; 1000 Genomes Project 30x 0.00047; 1000 Genomes Project 0.00060.
gnomAD v4.1: 131 of 792,210 alleles (0.017%); highest among the groups gnomAD compares: South Asian, 0.19%; 1 homozygote.

Submission:

Illumina Laboratory Services, Illumina
Classification: Benign for Congenital contractural arachnodactyly. Last evaluated: 2018-01-12. Review status: criteria provided, single submitter. Criteria: ICSL Variant Classification Criteria 13 December 2019. Collection method: clinical testing. Allele origin: germline.
Comment: This variant was observed in the ICSL laboratory as part of a predisposition screen in an ostensibly healthy population. It had not been previously curated by ICSL or reported in the Human Gene Mutation Database (HGMD: prior to June 1st, 2018), and was therefore a candidate for classification through an automated scoring system. Utilizing variant allele frequency, disease prevalence and penetrance estimates, and inheritance mode, an automated score was calculated to assess if this variant is too frequent to cause the disease. Based on the score and internal cut-off values, a variant classified as benign is not then subjected to further curation. The score for this variant resulted in a classification of benign for this disease.